The following is an entry in ClinVar:

NM_000089.4(COL1A2):c.2702G>T (p.Gly901Val)

Gene: COL1A2 (collagen type I alpha 2 chain; plus strand). Cytogenetic location: 7q21.3.
Variant type: single nucleotide variant.
Coding change: c.2702G>T on transcript NM_000089.4 (MANE Select); coding-DNA position 2702, G replaced by T.
Protein change: p.Gly901Val; replaces glycine 901 with valine.
Molecular consequence: missense variant.
Genome position (GRCh38, 1-based): chr7:94,425,145, G>T. VCF-style: chr7-94425145-G-T. GRCh37 (hg19) VCF-style: chr7-94054457-G-T.
Other names: short protein forms G901V.
Identifiers: ClinVar variation 4871707 (VCV004871707.1).

ClinVar aggregate classification (germline): Likely pathogenic (1 of 4 stars; one submission).

Conditions:
Osteogenesis imperfecta, perinatal lethal (OI2). Also called: Osteogenesis imperfecta, dominant perinatal lethal; OSTEOGENESIS IMPERFECTA, TYPE II; OI, TYPE II; OSTEOGENESIS IMPERFECTA CONGENITA; VROLIK TYPE OF OSTEOGENESIS IMPERFECTA; Osteogenesis imperfecta type 2. Identifiers: Orphanet 216804, MedGen C0268358, MONDO:0008147, OMIM 166210.

Submission:

Centro Nacional de Genética Medica, Administración Nacional de Laboratorios e Institutos de Salud (ANLIS) “Dr. Carlos G Malbrán”
Classification: Likely pathogenic for Osteogenesis imperfecta, perinatal lethal. Last evaluated: 2025-07-24. Review status: criteria provided, single submitter. Criteria: ACMG Guidelines, 2015. Collection method: clinical testing. Allele origin: germline. Affected: yes. Observed: 1 variant allele.
Comment: This variant corresponds to a missense mutation of the amino acid glycine (nonpolar, hydrophobic, and neutral) at position 901, replaced by valine (also nonpolar, hydrophobic, and neutral). This glycine (Gly) is found within a canonical repeat composed of three amino acids: Gly-X-Y, which is repeated along the entire triple helix. Glycine substitutions within the triple-helix domain of the collagen chain have been reported to delay the formation of the type I collagen triple helix, resulting in an additional post-translational modification that prevents the secretion of the assembled trimers (dominant negative) (PMID: 39127989; PMID: 8114103) (PM1). In a publication in 2007 (PMID: 17078022), they analyzed the results of the presence of 832 variants in type I collagen genes (493 in COL1A1 and 339 in COL1A2) and found 682 glycine residue substitutions within the triple-helix domains of these proteins. The pathogenic variants in COL1A2 were predominantly non-lethal (80%); however, they described eight clusters along the protein chain whose missense glycine variants were associated with perinatal death. These eight clusters align with proteoglycan-binding regions. The variant found in the patient is located within one of these eight clusters (cluster 7, spanning residues 859 to 907). This variant is absent from population databases such as GnomAD, ExAc, and 1000 Genomes (PM2_Supporting). This missense variant is novel; however, there is a report of another missense change at the same codon but at a different nucleotide position (p.Gly901Ser) classified as pathogenic (Variation ID: 1343353; Accession: VCV001343353.15) (PM5). The gene has poor tolerance for missense mutations, with 505 reports of pathogenic variants and 18 benign variants found in the GnomAD database (Genome Aggregation Database (gnomAD v4.1.0™), with a Z-score greater than 3.09 (Z=3.55) (PP2). The bioinformatics predictors AlphaMissense (Deleterious_Moderate: 0.973), REVEL (Deleterious_Strong: 0.99), EVE (Deleterious: 0.82), SIFT (Deleterious_Supporting: 0), and BayesDel (Deleterious_Strong: 0.59) predict this variant as deleterious (PP3_Moderate).

Literature cited by the submitters: PubMed 39127989; PubMed 8114103; PubMed 17078022.